The following is an entry in ClinVar:

ClinVar aggregate classification (germline): Uncertain significance (1 of 4 stars; one submission).

Conditions:
Autosomal recessive limb-girdle muscular dystrophy type 2A (LGMDR1). Also called: Muscular dystrophy, limb-girdle, type 2A, Amish; LEYDEN-MOEBIUS MUSCULAR DYSTROPHY; MUSCULAR DYSTROPHY, PELVOFEMORAL; Limb-girdle muscular dystrophy, type 2A; Calpainopathy. Identifiers: Orphanet 267, MedGen C1869123, MONDO:0009675, OMIM 253600. Disease mechanism: loss of function.

Allele frequency attached by ClinVar (database versions not stated): gnomAD exomes below 0.00001.
gnomAD v4.1: 1 of 1,614,064 alleles (0.000062%); highest among the groups gnomAD compares: Non-Finnish European, 0.000085%; no homozygotes.

Submission:

Labcorp Genetics (formerly Invitae), Labcorp
Classification: Uncertain significance for Autosomal recessive limb-girdle muscular dystrophy type 2A. Last evaluated: 2022-03-18. Review status: criteria provided, single submitter. Criteria: Invitae Variant Classification Sherloc (09022015). Collection method: clinical testing. Allele origin: germline.
Comment: This variant has not been reported in the literature in individuals affected with CAPN3-related conditions. This variant is not present in population databases (gnomAD no frequency). This sequence change replaces proline, which is neutral and non-polar, with serine, which is neutral and polar, at codon 306 of the CAPN3 protein (p.Pro306Ser). Algorithms developed to predict the effect of missense changes on protein structure and function (SIFT, PolyPhen-2, Align-GVGD) all suggest that this variant is likely to be tolerated. In summary, the available evidence is currently insufficient to determine the role of this variant in disease. Therefore, it has been classified as a Variant of Uncertain Significance.

NM_000070.3(CAPN3):c.916C>T (p.Pro306Ser)

Gene: CAPN3 (calpain 3; plus strand). Cytogenetic location: 15q15.1.
Variant type: single nucleotide variant.
Coding change: c.916C>T on transcript NM_000070.3 (MANE Select); coding-DNA position 916, C replaced by T.
Protein change: p.Pro306Ser; replaces proline 306 with serine.
Molecular consequence: missense variant. On other transcripts: intron variant (1).
Genome position (GRCh38, 1-based): chr15:42,390,067, C>T. VCF-style: chr15-42390067-C-T. GRCh37 (hg19) VCF-style: chr15-42682265-C-T.
Other names: c.916C>T, p.Pro306Ser (NM_024344.2); c.655C>T, p.Pro219Ser (NM_212464.2); c.*609C>T (NM_212467.2); c.801+971C>T (NM_173087.2); short protein forms P219S, P306S.
Identifiers: ClinVar variation 2113864 (VCV002113864.4), dbSNP rs2548262298, ClinGen allele CA391998670.